The following is an entry in ClinVar:

NM_016239.4(MYO15A):c.358_361del (p.Leu120fs)

Gene: MYO15A (myosin XVA; plus strand). Cytogenetic location: 17p11.2.
Variant type: Deletion.
Coding change: c.358_361del on transcript NM_016239.4 (MANE Select); coding-DNA positions 358 to 361, 4 bases deleted (CTGC; older notation c.358_361delCTGC).
Protein change: p.Leu120fs; shifts the reading frame from leucine 120.
Molecular consequence: frameshift variant.
Genome position (GRCh38, 1-based): chr17:18,119,158-18,119,161, CTGC deleted; deleting any 4 consecutive bases within chr17:18,119,156-18,119,161 gives the same sequence; the c. name uses the placement nearest the transcript's 3' end. VCF-style (leftmost placement, unchanged base first): chr17-18119155-CGCCT-C. GRCh37 (hg19) VCF-style: chr17-18022469-CGCCT-C.
Other names: short protein forms L120fs.
Identifiers: ClinVar variation 4875192 (VCV004875192.2).
Genomic context (GRCh38, chr17:18,119,155, plus strand): 5'-ATGAAGGGCAAGAAGCCGTCCTTCATGGTGATCCGCTTCCCAGGCCGCCGTGGCTACGGC[CGCCT>C]GCGGCCGCGCGCCCGGTCACTCAGCAAAGCGTCCACGGCCATCAACTGGCTCACAAAAAA-3'

ClinVar aggregate classification (germline): Pathogenic (1 of 4 stars; one submission).

Submission:

CeGaT Center for Human Genetics Tuebingen
Classification: Pathogenic. Last evaluated: 2026-06-01. Review status: criteria provided, single submitter. Criteria: CeGaT Center For Human Genetics Tuebingen Variant Classification Criteria Version 2. Collection method: clinical testing. Allele origin: germline. Affected: yes. Observed: 1 variant allele.
Comment: MYO15A: PVS1, PM2